The following is an entry in ClinVar:

NM_001849.4(COL6A2):c.1054-2A>G

Gene: COL6A2 (collagen type VI alpha 2 chain; plus strand). Cytogenetic location: 21q22.3.
Variant type: single nucleotide variant.
Coding change: c.1054-2A>G on transcript NM_001849.4 (MANE Select); the canonical splice acceptor site of the intron before coding-DNA position 1054, A replaced by G.
Molecular consequence: splice acceptor variant.
Genome position (GRCh38, 1-based): chr21:46,117,872, A>G. VCF-style: chr21-46117872-A-G. GRCh37 (hg19) VCF-style: chr21-47537786-A-G.
Other names: c.1054-2A>G (NM_058175.3, NM_058174.3).
Identifiers: ClinVar variation 288842 (VCV000288842.12), dbSNP rs886044023, ClinGen allele CA10606246.

ClinVar aggregate classification (germline): Pathogenic/Likely pathogenic. Review status: criteria provided, multiple submitters, no conflicts (2 of 4 stars). 2 submissions from 2 submitters: Pathogenic (1); Likely pathogenic (1). Last evaluated 2022-03-08.

Conditions:
Bethlem myopathy 1A. Also called: Bethlem Muscular Dystrophy; MYOPATHY, BENIGN CONGENITAL, WITH CONTRACTURES; Bethlem myopathy 1. Identifiers: Orphanet 610, MedGen CN029274, MONDO:0024530, OMIM 158810.

Allele frequency attached by ClinVar (database versions not stated): gnomAD exomes below 0.00001.
gnomAD v4.1: 1 of 1,610,410 alleles (0.000062%); highest among the groups gnomAD compares: Non-Finnish European, 0.000085%; no homozygotes.

Submissions (2):

Labcorp Genetics (formerly Invitae), Labcorp
Classification: Likely pathogenic for Bethlem myopathy 1A. Last evaluated: 2022-03-08. Review status: criteria provided, single submitter. Criteria: Invitae Variant Classification Sherloc (09022015). Collection method: clinical testing. Allele origin: germline.
Comment: This sequence change affects an acceptor splice site in intron 11 of the COL6A2 gene. It is expected to disrupt RNA splicing. Variants that disrupt the donor or acceptor splice site typically lead to a loss of protein function (PMID: 16199547), and loss-of-function variants in COL6A2 are known to be disease-causing for autosomal recessive COL6A2 conditions (PMID: 21280092, 20976770). However, certain variants affecting donor or acceptor splice sites in the triple helical domain of COL6A2 are expected to result in in-frame exon skipping and have been reported to cause autosomal dominant COL6A2-related conditions (PMID: 18366090). This variant is not present in population databases (gnomAD no frequency). This variant has not been reported in the literature in individuals affected with COL6A2-related conditions. ClinVar contains an entry for this variant (Variation ID: 288842). Algorithms developed to predict the effect of sequence changes on RNA splicing suggest that this variant may disrupt the consensus splice site. In summary, the currently available evidence indicates that the variant is pathogenic, but additional data are needed to prove that conclusively. Therefore, this variant has been classified as Likely Pathogenic.

Eurofins Ntd Llc (ga)
Classification: Pathogenic. Last evaluated: 2016-06-20. Review status: criteria provided, single submitter. Criteria: EGL Classification Definitions 2015. Collection method: clinical testing. Allele origin: germline. Observed: 1 variant allele, 1 heterozygote.

Literature cited by the submitters: PubMed 16199547 (cited by Labcorp Genetics (formerly Invitae), Labcorp); PubMed 21280092 (cited by Labcorp Genetics (formerly Invitae), Labcorp); PubMed 20976770 (cited by Labcorp Genetics (formerly Invitae), Labcorp); PubMed 18366090 (cited by Labcorp Genetics (formerly Invitae), Labcorp).